The following is an entry in ClinVar:

ClinVar aggregate classification (germline): Uncertain significance (1 of 4 stars; one submission).

Conditions:
Myopathy, proximal, and ophthalmoplegia (CMYO6). Also called: INCLUSION BODY MYOPATHY 3, AUTOSOMAL DOMINANT; MYOPATHY WITH CONGENITAL JOINT CONTRACTURES, OPHTHALMOPLEGIA, AND RIMMED VACUOLES; CONGENITAL MYOPATHY 6 WITH OPHTHALMOPLEGIA. Identifiers: Orphanet 363677, Orphanet 79091, MedGen C1854106, MONDO:0011577, OMIM 605637.

gnomAD v4.1: 1 of 1,614,202 alleles (0.000062%); no homozygotes.

Submission:

Labcorp Genetics (formerly Invitae), Labcorp
Classification: Uncertain significance for Myopathy, proximal, and ophthalmoplegia. Last evaluated: 2024-04-16. Review status: criteria provided, single submitter. Criteria: Invitae Variant Classification Sherloc (09022015). Collection method: clinical testing. Allele origin: germline.
Comment: This sequence change replaces leucine, which is neutral and non-polar, with proline, which is neutral and non-polar, at codon 1713 of the MYH2 protein (p.Leu1713Pro). This variant is not present in population databases (gnomAD no frequency). This variant has not been reported in the literature in individuals affected with MYH2-related conditions. Advanced modeling of protein sequence and biophysical properties (such as structural, functional, and spatial information, amino acid conservation, physicochemical variation, residue mobility, and thermodynamic stability) performed at Invitae indicates that this missense variant is expected to disrupt MYH2 protein function with a positive predictive value of 80%. In summary, the available evidence is currently insufficient to determine the role of this variant in disease. Therefore, it has been classified as a Variant of Uncertain Significance.

NM_017534.6(MYH2):c.5138T>C (p.Leu1713Pro)

Genes: MYHAS (myosin heavy chain gene cluster antisense RNA; plus strand), MYH2 (myosin heavy chain 2; minus strand). Cytogenetic location: 17p13.1.
Variant type: single nucleotide variant.
Coding change: c.5138T>C on transcript NM_017534.6 (MANE Select); coding-DNA position 5138, T replaced by C.
Protein change: p.Leu1713Pro; replaces leucine 1713 with proline.
Molecular consequence: missense variant.
Genome position (GRCh38, 1-based): chr17:10,524,503, A>G on the plus strand (T>C on the coding strand, the complement: MYH2 is on the minus strand). VCF-style: chr17-10524503-A-G. GRCh37 (hg19) VCF-style: chr17-10427820-A-G.
Other names: c.5138T>C, p.Leu1713Pro (NM_001100112.2); short protein forms L1713P.
Identifiers: ClinVar variation 3705109 (VCV003705109.2).